The following is an entry in ClinVar:

ClinVar aggregate classification (germline): Pathogenic. Review status: criteria provided, multiple submitters, no conflicts (2 of 4 stars). 2 submissions from 2 submitters: Pathogenic (2). Last evaluated 2021-08-10.

Conditions:
Wilson disease (WND). Also called: Wilson's disease. Identifiers: Orphanet 905, MedGen C0019202, MONDO:0010200, OMIM 277900. Disease mechanism: loss of function.

Submissions (2):

Genome-Nilou Lab
Classification: Pathogenic for Wilson disease. Last evaluated: 2021-08-10. Review status: criteria provided, single submitter. Criteria: ACMG Guidelines, 2015. Collection method: clinical testing. Allele origin: germline. Affected: no.

Labcorp Genetics (formerly Invitae), Labcorp
Classification: Pathogenic for Wilson disease. Last evaluated: 2019-12-30. Review status: criteria provided, single submitter. Criteria: Invitae Variant Classification Sherloc (09022015). Collection method: clinical testing. Allele origin: germline.
Comment: This sequence change creates a premature translational stop signal (p.Ala1197Argfs*62) in the ATP7B gene. It is expected to result in an absent or disrupted protein product. This variant is not present in population databases (ExAC no frequency). This variant has been observed in individual(s) with Wilson disease (PMID: 8938442). This variant is also known as 3589insC in the literature. Loss-of-function variants in ATP7B are known to be pathogenic (PMID: 10441329, 16283883). For these reasons, this variant has been classified as Pathogenic.

Literature cited by the submitters: PubMed 8938442 (cited by Labcorp Genetics (formerly Invitae), Labcorp).

NM_000053.4(ATP7B):c.3588dup (p.Ala1197fs)

Gene: ATP7B (ATPase copper transporting beta; minus strand). Cytogenetic location: 13q14.3.
Variant type: Duplication.
Coding change: c.3588dup on transcript NM_000053.4 (MANE Select); coding-DNA position 3588, one base duplicated (C; older notation c.3588dupC).
Protein change: p.Ala1197fs; shifts the reading frame from alanine 1197.
Molecular consequence: frameshift variant.
Genome position (GRCh38, 1-based): chr13:51,939,162, G duplicated on the plus strand (C on the coding strand, the reverse complement: ATP7B is on the minus strand). VCF-style (leftmost placement, unchanged base first): chr13-51939161-C-CG. GRCh37 (hg19) VCF-style: chr13-52513297-C-CG.
Other names: c.2967dup, p.Ala990fs (NM_001005918.3); c.3255dup, p.Ala1086fs (NM_001243182.2); c.3354dup, p.Ala1119fs (NM_001330578.2); c.3336dup, p.Ala1113fs (NM_001330579.2); short protein forms A1086fs, A1119fs, A1113fs, A1197fs, A990fs.
Identifiers: ClinVar variation 850220 (VCV000850220.3), dbSNP rs1957160342, ClinGen allele CA916083353.